The following is an entry in ClinVar:

NM_138376.3(TTC5):c.811C>T (p.Leu271=)

Genes: TTC5 (tetratricopeptide repeat domain 5; minus strand), LOC126861878 (CDK7 strongly-dependent group 2 enhancer GRCh37_chr14:20763215-20764414; plus strand). Cytogenetic location: 14q11.2.
Variant type: single nucleotide variant.
Coding change: c.811C>T on transcript NM_138376.3 (MANE Select); coding-DNA position 811, C replaced by T.
Protein change: p.Leu271=; no amino-acid change (leucine 271 retained).
Molecular consequence: synonymous variant.
Genome position (GRCh38, 1-based): chr14:20,295,740, G>A on the plus strand (C>T on the coding strand, the complement: TTC5 is on the minus strand). VCF-style: chr14-20295740-G-A. GRCh37 (hg19) VCF-style: chr14-20763899-G-A.
Identifiers: ClinVar variation 2644042 (VCV002644042.24), dbSNP rs2501733789, ClinGen allele CA485446258.

ClinVar aggregate classification (germline): Likely benign (1 of 4 stars; one submission).

Submission:

CeGaT Center for Human Genetics Tuebingen
Classification: Likely benign. Last evaluated: 2023-07-01. Review status: criteria provided, single submitter. Criteria: CeGaT Center For Human Genetics Tuebingen Variant Classification Criteria Version 2. Collection method: clinical testing. Allele origin: germline. Affected: yes. Observed: 1 variant allele.
Comment: TTC5: PM2:Supporting, BP4, BP7